The following is an entry in ClinVar:

ClinVar aggregate classification (germline): Benign. Review status: criteria provided, multiple submitters, no conflicts (2 of 4 stars). 2 submissions from 2 submitters: Benign (2). Last evaluated 2016-03-28.

Allele frequency attached by ClinVar (database versions not stated): gnomAD 0.02529 and 0.02615; 1000 Genomes Project 30x 0.01437; TOPMed 0.01991; ESP Exome Variant Server 0.02324; ExAC 0.02403; gnomAD exomes 0.02457.
gnomAD v4.1: 44,340 of 1,608,120 alleles (2.8%); highest among the groups gnomAD compares: Non-Finnish European, 3%; 966 homozygotes.

Submissions (2):

Laboratory for Molecular Medicine, Mass General Brigham Personalized Medicine
Classification: Benign. Last evaluated: 2016-03-28. Review status: criteria provided, single submitter. Criteria: LMM Criteria. Collection method: clinical testing. Allele origin: germline.
Comment: Variant identified in a genome or exome case(s) and assessed due to predicted null impact of the variant or pathogenic assertions in the literature or databases. Disclaimer: This variant has not undergone full assessment. The following are preliminary notes: Frequency

Breakthrough Genomics
Classification: Benign. Review status: criteria provided, single submitter. Criteria: ACMG Guidelines, 2015. Collection method: not provided. Allele origin: germline. Inheritance: Autosomal dominant inheritance. Affected: yes.

NM_002458.3(MUC5B):c.9593G>C (p.Ser3198Thr)

Genes: MUC5B (mucin 5B, oligomeric mucus/gel-forming; plus strand), MUC5B-AS1 (MUC5B antisense RNA 1; minus strand). Cytogenetic location: 11p15.5.
Variant type: single nucleotide variant.
Coding change: c.9593G>C on transcript NM_002458.3 (MANE Select); coding-DNA position 9593, G replaced by C.
Protein change: p.Ser3198Thr; replaces serine 3198 with threonine.
Molecular consequence: missense variant.
Genome position (GRCh38, 1-based): chr11:1,246,473, G>C. VCF-style: chr11-1246473-G-C. GRCh37 (hg19) VCF-style: chr11-1267703-G-C.
Other names: short protein forms S3198T.
Identifiers: ClinVar variation 403154 (VCV000403154.5), dbSNP rs117501397, ClinGen allele CA5807066.
Genomic context (GRCh38, chr11:1,246,473, plus strand): 5'-GATCCACGGCCACCGCCTCCTCCACCCGGGCAACTGCTGGCACCCTCAAAGTGCTGACCA[G>C]CACGGCCACCACACCCACAGTCATCAGCTCCAGAGCCACTCCCTCCTCCAGTCCAGGGAC-3'
Protein context (NP_002449.2, residues 3188-3208): ATAGTLKVLT[Ser3198Thr]TATTPTVISS